The following is an entry in ClinVar:

NM_000426.4(LAMA2):c.2097-13T>C

Gene: LAMA2 (laminin subunit alpha 2; plus strand). Cytogenetic location: 6q22.33.
Variant type: single nucleotide variant.
Coding change: c.2097-13T>C on transcript NM_000426.4 (MANE Select); 13 bases into the intron before coding-DNA position 2097, T replaced by C.
Molecular consequence: intron variant.
Genome position (GRCh38, 1-based): chr6:129,260,698, T>C. VCF-style: chr6-129260698-T-C. GRCh37 (hg19) VCF-style: chr6-129581843-T-C.
Other names: c.2097-13T>C (NM_001079823.2).
Identifiers: ClinVar variation 382694 (VCV000382694.16), dbSNP rs139246515, ClinGen allele CA3992830.

ClinVar aggregate classification (germline): Benign/Likely benign. Review status: criteria provided, multiple submitters, no conflicts (2 of 4 stars). 4 submissions from 4 submitters: Benign (3); Likely benign (1). Last evaluated 2026-02-01.

Conditions:
LAMA2-related muscular dystrophy (LAMA2-RD). Also called: Laminin alpha 2-related dystrophy. Identifiers: MedGen C5679788, MONDO:0100228.
Congenital muscular dystrophy due to partial LAMA2 deficiency. Identifiers: MedGen C1842898.

Allele frequency attached by ClinVar (database versions not stated): gnomAD 0.00387 and 0.00415; ESP Exome Variant Server 0.00408; TOPMed 0.00444; 1000 Genomes Project 0.00479; 1000 Genomes Project 30x 0.00531.
gnomAD v4.1: 1,130 of 1,518,414 alleles (0.074%); highest among the groups gnomAD compares: African/African-American, 1.3%; 10 homozygotes.

Submissions (4):

Labcorp Genetics (formerly Invitae), Labcorp
Classification: Benign for LAMA2-related muscular dystrophy. Last evaluated: 2026-02-01. Review status: criteria provided, single submitter. Criteria: Invitae Variant Classification Sherloc (09022015). Collection method: clinical testing. Allele origin: germline.

Blueprint Genetics
Classification: Likely benign. Last evaluated: 2024-08-15. Review status: criteria provided, single submitter. Criteria: ACMG Guidelines, 2015. Collection method: clinical testing. Allele origin: germline.

Illumina Laboratory Services, Illumina
Classification: Benign for Congenital muscular dystrophy due to partial LAMA2 deficiency. Last evaluated: 2017-04-28. Review status: criteria provided, single submitter. Criteria: ICSL Variant Classification Criteria 13 December 2019. Collection method: clinical testing. Allele origin: germline.
Comment: This variant was observed as part of a predisposition screen in an ostensibly healthy population. A literature search was performed for the gene, cDNA change, and amino acid change (where applicable). No publications were found based on this search. Allele frequency data from public databases was too high to be consistent with this variant causing disease. Therefore, this variant is classified as benign.

GeneDx
Classification: Benign. Last evaluated: 2016-10-17. Review status: criteria provided, single submitter. Criteria: GeneDx Variant Classification (06012015). Collection method: clinical testing. Allele origin: germline. Affected: yes.
Comment: This variant is considered likely benign or benign based on one or more of the following criteria: it is a conservative change, it occurs at a poorly conserved position in the protein, it is predicted to be benign by multiple in silico algorithms, and/or has population frequency not consistent with disease.